The following is an entry in ClinVar:

ClinVar aggregate classification (germline): Uncertain significance. Review status: criteria provided, multiple submitters, no conflicts (2 of 4 stars). 2 submissions from 2 submitters: Uncertain significance (2). Last evaluated 2022-07-30.

Conditions:
ALG3-congenital disorder of glycosylation. Also called: CONGENITAL DISORDER OF GLYCOSYLATION, TYPE Id; CDG Id; ALG3-CDG; CARBOHYDRATE-DEFICIENT GLYCOPROTEIN SYNDROME, TYPE IV; CDGS, TYPE IV. Identifiers: Orphanet 79321, MedGen C1832736, MONDO:0010998, OMIM 601110.

Allele frequency attached by ClinVar (database versions not stated): ExAC 0.00003; gnomAD 0.00005; gnomAD exomes 0.00005 and 0.00006; TOPMed 0.00007.
gnomAD v4.1: 101 of 1,613,680 alleles (0.0063%); highest among the groups gnomAD compares: Middle Eastern, 0.017%; no homozygotes.

Submissions (2):

Labcorp Genetics (formerly Invitae), Labcorp
Classification: Uncertain significance for ALG3-congenital disorder of glycosylation. Last evaluated: 2022-07-30. Review status: criteria provided, single submitter. Criteria: Invitae Variant Classification Sherloc (09022015). Collection method: clinical testing. Allele origin: germline.
Comment: This sequence change replaces arginine, which is basic and polar, with cysteine, which is neutral and slightly polar, at codon 260 of the ALG3 protein (p.Arg260Cys). This variant is present in population databases (rs749229743, gnomAD 0.009%). This variant has not been reported in the literature in individuals affected with ALG3-related conditions. ClinVar contains an entry for this variant (Variation ID: 902453). Algorithms developed to predict the effect of missense changes on protein structure and function are either unavailable or do not agree on the potential impact of this missense change (SIFT: "Tolerated"; PolyPhen-2: "Possibly Damaging"; Align-GVGD: "Class C0"). In summary, the available evidence is currently insufficient to determine the role of this variant in disease. Therefore, it has been classified as a Variant of Uncertain Significance.

Illumina Laboratory Services, Illumina
Classification: Uncertain significance for ALG3-congenital disorder of glycosylation. Last evaluated: 2018-01-13. Review status: criteria provided, single submitter. Criteria: ICSL Variant Classification Criteria 13 December 2019. Collection method: clinical testing. Allele origin: germline.

NM_005787.6(ALG3):c.778C>T (p.Arg260Cys)

Gene: ALG3 (ALG3 alpha-1,3- mannosyltransferase; minus strand). Cytogenetic location: 3q27.1.
Variant type: single nucleotide variant.
Coding change: c.778C>T on transcript NM_005787.6 (MANE Select); coding-DNA position 778, C replaced by T.
Protein change: p.Arg260Cys; replaces arginine 260 with cysteine.
Molecular consequence: missense variant. On other transcripts: non-coding transcript variant (2).
Genome position (GRCh38, 1-based): chr3:184,243,945, G>A on the plus strand (C>T on the coding strand, the complement: ALG3 is on the minus strand). VCF-style: chr3-184243945-G-A. GRCh37 (hg19) VCF-style: chr3-183961733-G-A.
Other names: c.634C>T, p.Arg212Cys (NM_001006941.2); short protein forms R212C, R260C.
Identifiers: ClinVar variation 902453 (VCV000902453.8), dbSNP rs749229743, ClinGen allele CA2729419.